The following is an entry in ClinVar:

NM_004612.4(TGFBR1):c.992A>C (p.His331Pro)

Gene: TGFBR1 (transforming growth factor beta receptor 1; plus strand). Cytogenetic location: 9q22.33.
Variant type: single nucleotide variant.
Coding change: c.992A>C on transcript NM_004612.4 (MANE Select); coding-DNA position 992, A replaced by C.
Protein change: p.His331Pro; replaces histidine 331 with proline.
Molecular consequence: missense variant. On other transcripts: non-coding transcript variant (4).
Genome position (GRCh38, 1-based): chr9:99,144,750, A>C. VCF-style: chr9-99144750-A-C. GRCh37 (hg19) VCF-style: chr9-101907032-A-C.
Other names: c.761A>C, p.His254Pro (NM_001130916.3, NM_001407435.1); c.1004A>C, p.His335Pro (NM_001306210.2); c.836A>C, p.His279Pro (NM_001407416.1); c.824A>C, p.His275Pro (NM_001407417.1); c.797A>C, p.His266Pro (NM_001407418.1, NM_001407419.1, NM_001407420.1 and 1 more transcripts); c.785A>C, p.His262Pro (NM_001407423.1, NM_001407424.1, NM_001407425.1 and 8 more transcripts); c.746A>C, p.His249Pro (NM_001407436.1); c.284A>C, p.His95Pro (NM_001407437.1); and 1 more; short protein forms H266P, H335P, H172P, H331P, H254P, H95P, H249P, H262P.
Identifiers: ClinVar variation 2837766 (VCV002837766.3), dbSNP rs1827738279, ClinGen allele CA374231256.

ClinVar aggregate classification (germline): Uncertain significance (1 of 4 stars; one submission).

Conditions:
Familial thoracic aortic aneurysm and aortic dissection (TAAD). Also called: Thoracic aortic aneurysms and dissections. Identifiers: Orphanet 91387, MedGen C4707243, MONDO:0019625.

Submission:

Labcorp Genetics (formerly Invitae), Labcorp
Classification: Uncertain significance for Familial thoracic aortic aneurysm and aortic dissection. Last evaluated: 2023-10-15. Review status: criteria provided, single submitter. Criteria: Invitae Variant Classification Sherloc (09022015). Collection method: clinical testing. Allele origin: germline.
Comment: This sequence change replaces histidine, which is basic and polar, with proline, which is neutral and non-polar, at codon 331 of the TGFBR1 protein (p.His331Pro). This variant is not present in population databases (gnomAD no frequency). This variant has not been reported in the literature in individuals affected with TGFBR1-related conditions. Advanced modeling of protein sequence and biophysical properties (such as structural, functional, and spatial information, amino acid conservation, physicochemical variation, residue mobility, and thermodynamic stability) performed at Invitae indicates that this missense variant is expected to disrupt TGFBR1 protein function. This variant disrupts the p.His331 amino acid residue in TGFBR1. Other variant(s) that disrupt this residue have been observed in individuals with TGFBR1-related conditions (PMID: 29543232; Invitae), which suggests that this may be a clinically significant amino acid residue. In summary, the available evidence is currently insufficient to determine the role of this variant in disease. Therefore, it has been classified as a Variant of Uncertain Significance.

Literature cited by the submitters: PubMed 29543232.